The following is an entry in ClinVar:

ClinVar aggregate classification (germline): Benign. Review status: criteria provided, multiple submitters, no conflicts (2 of 4 stars). 2 submissions from 2 submitters: Benign (2). Last evaluated 2018-01-13.

Conditions:
T-B+ severe combined immunodeficiency due to JAK3 deficiency. Also called: SCID, autosomal recessive, T-negative/B-positive type; SCID, T CELL-NEGATIVE, B CELL-POSITIVE, NK CELL-NEGATIVE. Identifiers: Orphanet 35078, MedGen C1833275, MONDO:0010938, OMIM 600802.

Allele frequency attached by ClinVar (database versions not stated): gnomAD 0.00470 and 0.00612; 1000 Genomes Project 0.02716; gnomAD exomes 0.00850; TOPMed 0.00860; 1000 Genomes Project 30x 0.02530.

Submissions (2):

Illumina Laboratory Services, Illumina
Classification: Benign for T-B+ severe combined immunodeficiency due to JAK3 deficiency. Last evaluated: 2018-01-13. Review status: criteria provided, single submitter. Criteria: ICSL Variant Classification Criteria 13 December 2019. Collection method: clinical testing. Allele origin: germline.
Comment: This variant was observed in the ICSL laboratory as part of a predisposition screen in an ostensibly healthy population. It had not been previously curated by ICSL or reported in the Human Gene Mutation Database (HGMD: prior to June 1st, 2018), and was therefore a candidate for classification through an automated scoring system. Utilizing variant allele frequency, disease prevalence and penetrance estimates, and inheritance mode, an automated score was calculated to assess if this variant is too frequent to cause the disease. Based on the score and internal cut-off values, a variant classified as benign is not then subjected to further curation. The score for this variant resulted in a classification of benign for this disease.

Breakthrough Genomics
Classification: Benign. Review status: criteria provided, single submitter. Criteria: ACMG Guidelines, 2015. Collection method: not provided. Allele origin: germline. Inheritance: Autosomal recessive inheritance. Affected: yes.

NM_000215.4(JAK3):c.*252A>T

Gene: JAK3 (Janus kinase 3; minus strand). Cytogenetic location: 19p13.11.
Variant type: single nucleotide variant.
Coding change: c.*252A>T on transcript NM_000215.4 (MANE Select); 252 bases downstream of the stop codon, A replaced by T.
Molecular consequence: 3 prime UTR variant.
Genome position (GRCh38, 1-based): chr19:17,826,491, T>A on the plus strand (A>T on the coding strand, the complement: JAK3 is on the minus strand). VCF-style: chr19-17826491-T-A. GRCh37 (hg19) VCF-style: chr19-17937300-T-A.
Identifiers: ClinVar variation 328492 (VCV000328492.6), dbSNP rs79044512, ClinGen allele CA10651613.